The following is an entry in ClinVar:

NM_004006.3(DMD):c.10263-10_10263-9insGACTAATCACATTTTCTTTTTTTTTTTTTTTTTTTTTNNNNNNNNNNGTTTCACCGTGTTAGCCAGGATGGTCTCGATCTCCTGACCTCGTGATCCGCCCGCCTCGGCCTCCCAAAGTGCTGGGATTACAGGCGTGAGCCACCGCGCCCGGCC

Gene: DMD (dystrophin; minus strand). Cytogenetic location: Xp21.2.
Variant type: Insertion.
Coding change: c.10263-10_10263-9insGACTAATCACATTTTCTTTTTTTTTTTTTTTTTTTTTNNNNNNNNNNGTTTCACCGTGTTAGCCAGGATGGTCTCGATCTCCTGACCTCGTGATCCGCCCGCCTCGGCCTCCCAAAGTGCTGGGATTACAGGCGTGAGCCACCGCGCCCGGCC on transcript NM_004006.3 (MANE Select); 10 bases into the intron before coding-DNA position 10263 through 9 bases into the intron before coding-DNA position 10263, GACTAATCACATTTTCTTTTTTTTTTTTTTTTTTTTTNNNNNNNNNNGTTTCACCGTGTTAGCCAGGATGGTCTCGATCTCCTGACCTCGTGATCCGCCCGCCTCGGCCTCCCAAAGTGCTGGGATTACAGGCGTGAGCCACCGCGCCCGGCC inserted.
Molecular consequence: intron variant.
Genome position: GRCh38: chrX:31,173,630-31,173,631. GRCh37 (hg19): chrX:31,191,747-31,191,748.
Other names: c.10239-10_10239-9insGACTAATCACATTTTCTTTTTTTTTTTTTTTTTTTTTNNNNNNNNNNGTTTCACCGTGTTAGCCAGGATGGTCTCGATCTCCTGACCTCGTGATCCGCCCGCCTCGGCCTCCCAAAGTGCTGGGATTACAGGCGTGAGCCACCGCGCCCGGCC (NM_000109.4); c.6240-10_6240-9insGACTAATCACATTTTCTTTTTTTTTTTTTTTTTTTTTNNNNNNNNNNGTTTCACCGTGTTAGCCAGGATGGTCTCGATCTCCTGACCTCGTGATCCGCCCGCCTCGGCCTCCCAAAGTGCTGGGATTACAGGCGTGAGCCACCGCGCCCGGCC (NM_004011.4); c.6231-10_6231-9insGACTAATCACATTTTCTTTTTTTTTTTTTTTTTTTTTNNNNNNNNNNGTTTCACCGTGTTAGCCAGGATGGTCTCGATCTCCTGACCTCGTGATCCGCCCGCCTCGGCCTCCCAAAGTGCTGGGATTACAGGCGTGAGCCACCGCGCCCGGCC (NM_004012.4); c.2843+5055_2843+5056insGACTAATCACATTTTCTTTTTTTTTTTTTTTTTTTTTNNNNNNNNNNGTTTCACCGTGTTAGCCAGGATGGTCTCGATCTCCTGACCTCGTGATCCGCCCGCCTCGGCCTCCCAAAGTGCTGGGATTACAGGCGTGAGCCACCGCGCCCGGCC (NM_004023.3, NM_004020.4); c.2844-10_2844-9insGACTAATCACATTTTCTTTTTTTTTTTTTTTTTTTTTNNNNNNNNNNGTTTCACCGTGTTAGCCAGGATGGTCTCGATCTCCTGACCTCGTGATCCGCCCGCCTCGGCCTCCCAAAGTGCTGGGATTACAGGCGTGAGCCACCGCGCCCGGCC (NM_004022.3); c.2883-10_2883-9insGACTAATCACATTTTCTTTTTTTTTTTTTTTTTTTTTNNNNNNNNNNGTTTCACCGTGTTAGCCAGGATGGTCTCGATCTCCTGACCTCGTGATCCGCCCGCCTCGGCCTCCCAAAGTGCTGGGATTACAGGCGTGAGCCACCGCGCCCGGCC (NM_004021.3, NM_004013.3); c.2076-10_2076-9insGACTAATCACATTTTCTTTTTTTTTTTTTTTTTTTTTNNNNNNNNNNGTTTCACCGTGTTAGCCAGGATGGTCTCGATCTCCTGACCTCGTGATCCGCCCGCCTCGGCCTCCCAAAGTGCTGGGATTACAGGCGTGAGCCACCGCGCCCGGCC (NM_004014.3); c.1020-10_1020-9insGACTAATCACATTTTCTTTTTTTTTTTTTTTTTTTTTNNNNNNNNNNGTTTCACCGTGTTAGCCAGGATGGTCTCGATCTCCTGACCTCGTGATCCGCCCGCCTCGGCCTCCCAAAGTGCTGGGATTACAGGCGTGAGCCACCGCGCCCGGCC (NM_004018.3, NM_004017.3); and 3 more.
Identifiers: ClinVar variation 1422429 (VCV001422429.8), dbSNP rs2148227773.

ClinVar aggregate classification (germline): Uncertain significance (1 of 4 stars; one submission).

Conditions:
Duchenne muscular dystrophy (DMD). Also called: MUSCULAR DYSTROPHY, PSEUDOHYPERTROPHIC PROGRESSIVE, DUCHENNE TYPE; Duchenne Muscular Dystrophy (DMD). Identifiers: Orphanet 98896, MedGen C0013264, MONDO:0010679, OMIM 310200.

Submission:

Labcorp Genetics (formerly Invitae), Labcorp
Classification: Uncertain significance for Duchenne muscular dystrophy. Last evaluated: 2020-12-15. Review status: criteria provided, single submitter. Criteria: Invitae Variant Classification Sherloc (09022015). Collection method: clinical testing. Allele origin: germline.
Comment: This variant is not present in population databases (ExAC no frequency). This sequence change inserts a large fragment of DNA, likely a transposable element, in intron 71 of the DMD gene. The exact size and sequence of the insertion cannot be determined by the current assay. It does not directly change the encoded amino acid sequence of the DMD protein. In summary, the available evidence is currently insufficient to determine the role of this variant in disease. Therefore, it has been classified as a Variant of Uncertain Significance. Algorithms developed to predict the effect of sequence changes on RNA splicing suggest that this variant may create or strengthen a splice site, but this prediction has not been confirmed by published transcriptional studies. This variant has not been reported in the literature in individuals with DMD-related conditions.